The following is an entry in ClinVar:

NM_020937.4(FANCM):c.1789-5T>C

Gene: FANCM (FA complementation group M; plus strand). Cytogenetic location: 14q21.2.
Variant type: single nucleotide variant.
Coding change: c.1789-5T>C on transcript NM_020937.4 (MANE Select); 5 bases into the intron before coding-DNA position 1789, T replaced by C.
Molecular consequence: intron variant.
Genome position (GRCh38, 1-based): chr14:45,166,945, T>C. VCF-style: chr14-45166945-T-C. GRCh37 (hg19) VCF-style: chr14-45636148-T-C.
Other names: c.1711-5T>C (NM_001308133.2); c.1789-5T>C (NM_001308134.2).
Identifiers: ClinVar variation 2681920 (VCV002681920.1), dbSNP rs2503149743, ClinGen allele CA2697553923.

ClinVar aggregate classification (germline): Uncertain significance (1 of 4 stars; one submission).

Submission:

Quest Diagnostics Nichols Institute San Juan Capistrano
Classification: Uncertain significance. Last evaluated: 2023-08-23. Review status: criteria provided, single submitter. Criteria: Quest Diagnostics criteria. Collection method: clinical testing. Allele origin: unknown.
Comment: To the best of our knowledge, this variant has not been reported in the published literature. It also has not been reported in large, multi-ethnic general populations (Genome Aggregation Database). Analysis of this variant using software algorithms for the prediction of the effect of nucleotide changes on splicing yielded predictions that this variant does not affect FANCM mRNA splicing . Based on the available information, we are unable to determine the clinical significance of this variant.